The following is an entry in ClinVar:

NM_033380.3(COL4A5):c.476G>T (p.Gly159Val)

Gene: COL4A5 (collagen type IV alpha 5 chain; plus strand). Cytogenetic location: Xq22.3.
Variant type: single nucleotide variant.
Coding change: c.476G>T on transcript NM_033380.3 (MANE Select); coding-DNA position 476, G replaced by T.
Protein change: p.Gly159Val; replaces glycine 159 with valine.
Molecular consequence: missense variant.
Genome position (GRCh38, 1-based): chrX:108,573,584, G>T. VCF-style: chrX-108573584-G-T. GRCh37 (hg19) VCF-style: chrX-107816814-G-T.
Other names: c.476G>T, p.Gly159Val (NM_000495.5); short protein forms G159V.
Identifiers: ClinVar variation 2768084 (VCV002768084.3), dbSNP rs2147759208, ClinGen allele CA413920766.
Genomic context (GRCh38, chrX:108,573,584, plus strand): 5'-TTCATGTATAATAACTGTGTCTTAGAACTTCCATTGATGGCTTCTTTTAGGGTGAACCAG[G>T]TAGTATAATTATGTCATCACTGCCAGGACCAAAGGGTAATCCAGGATATCCAGGTCCTCC-3'
Protein context (NP_203699.1, residues 149-169): PGIPGMKGEP[Gly159Val]SIIMSSLPGP

ClinVar aggregate classification (germline): Likely pathogenic (1 of 4 stars; one submission).

Submission:

Labcorp Genetics (formerly Invitae), Labcorp
Classification: Likely pathogenic. Last evaluated: 2023-11-16. Review status: criteria provided, single submitter. Criteria: Invitae Variant Classification Sherloc (09022015). Collection method: clinical testing. Allele origin: germline.
Comment: This sequence change replaces glycine, which is neutral and non-polar, with valine, which is neutral and non-polar, at codon 159 of the COL4A5 protein (p.Gly159Val). This variant is not present in population databases (gnomAD no frequency). This missense change has been observed in individuals with Alport syndrome (PMID: 33748275). Advanced modeling of protein sequence and biophysical properties (such as structural, functional, and spatial information, amino acid conservation, physicochemical variation, residue mobility, and thermodynamic stability) performed at Invitae indicates that this missense variant is expected to disrupt COL4A5 protein function with a positive predictive value of 95%. In summary, the currently available evidence indicates that the variant is pathogenic, but additional data are needed to prove that conclusively. Therefore, this variant has been classified as Likely Pathogenic.

Literature cited by the submitters: PubMed 33748275.